The following is an entry in ClinVar:

ClinVar aggregate classification (germline): Uncertain significance. Review status: criteria provided, multiple submitters, no conflicts (2 of 4 stars). 3 submissions from 3 submitters: Uncertain significance (3). Last evaluated 2025-08-12.

Conditions:
Multiple endocrine neoplasia, type 2 (MEN2). Identifiers: Orphanet 653, MedGen C4048306, MONDO:0019003. Disease mechanism: gain of function.
Hereditary cancer-predisposing syndrome. Also called: Neoplastic Syndromes, Hereditary; Hereditary neoplastic syndrome; Tumor predisposition; Hereditary Cancer Syndrome. Identifiers: Orphanet 140162, MedGen C0027672, MeSH D009386, MONDO:0015356.

gnomAD v4.1: 5 of 1,614,096 alleles (0.00031%); highest among the groups gnomAD compares: Non-Finnish European, 0.00042%; no homozygotes.

Submissions (3):

Color Diagnostics, LLC DBA Color Health
Classification: Uncertain significance for Multiple endocrine neoplasia, type 2. Last evaluated: 2025-08-12. Review status: criteria provided, single submitter. Criteria: ACMG Guidelines, 2015. Collection method: clinical testing. Allele origin: germline.
Comment: This missense variant replaces asparagine with lysine at codon 1044 of the RET protein. Computational prediction suggests that this variant may not impact protein structure and function. To our knowledge, functional studies have not been reported for this variant. This variant has not been reported in individuals affected with RET-related disorders in the literature. This variant has not been identified in the general population by the Genome Aggregation Database (gnomAD). The available evidence is insufficient to determine the role of this variant in disease conclusively. Therefore, this variant is classified as a Variant of Uncertain Significance.

Labcorp Genetics (formerly Invitae), Labcorp
Classification: Uncertain significance for Multiple endocrine neoplasia, type 2. Last evaluated: 2024-10-30. Review status: criteria provided, single submitter. Criteria: Invitae Variant Classification Sherloc (09022015). Collection method: clinical testing. Allele origin: germline.
Comment: This sequence change replaces asparagine, which is neutral and polar, with lysine, which is basic and polar, at codon 1044 of the RET protein (p.Asn1044Lys). This variant is not present in population databases (gnomAD no frequency). This variant has not been reported in the literature in individuals affected with RET-related conditions. ClinVar contains an entry for this variant (Variation ID: 2891224). An algorithm developed to predict the effect of missense changes on protein structure and function (PolyPhen-2) suggests that this variant¬¨‚Ä†is likely to be tolerated. Algorithms developed to predict the effect of sequence changes on RNA splicing suggest that this variant may disrupt the consensus splice site. In summary, the available evidence is currently insufficient to determine the role of this variant in disease. Therefore, it has been classified as a Variant of Uncertain Significance.

Ambry Genetics
Classification: Uncertain significance for Hereditary cancer-predisposing syndrome. Last evaluated: 2024-07-15. Review status: criteria provided, single submitter. Criteria: Ambry Variant Classification Scheme 2023. Collection method: clinical testing. Allele origin: germline.
Comment: The p.N1044K variant (also known as c.3132T>G), located in coding exon 19 of the RET gene, results from a T to G substitution at nucleotide position 3132. The asparagine at codon 1044 is replaced by lysine, an amino acid with similar properties. This amino acid position is well conserved in available vertebrate species. In addition, this alteration is predicted to be tolerated by in silico analysis. Based on the available evidence, the clinical significance of this variant remains unclear.

NM_020975.6(RET):c.3132T>G (p.Asn1044Lys)

Gene: RET (ret proto-oncogene; plus strand). Cytogenetic location: 10q11.21.
Variant type: single nucleotide variant.
Coding change: c.3132T>G on transcript NM_020975.6 (MANE Select); coding-DNA position 3132, T replaced by G.
Protein change: p.Asn1044Lys; replaces asparagine 1044 with lysine.
Molecular consequence: missense variant. On other transcripts: intron variant (4).
Genome position (GRCh38, 1-based): chr10:43,126,667, T>G. VCF-style: chr10-43126667-T-G. GRCh37 (hg19) VCF-style: chr10-43622115-T-G.
Other names: c.3132T>G, p.Asn1044Lys (NM_000323.2, NM_001406743.1, NM_001406744.1 and 2 more transcripts); c.2370T>G, p.Asn790Lys (NM_001355216.2); c.3003T>G, p.Asn1001Lys (NM_001406761.1, NM_001406762.1, NM_001406764.1); c.2997T>G, p.Asn999Lys (NM_001406763.1, NM_001406765.1); c.2844T>G, p.Asn948Lys (NM_001406766.1, NM_001406767.1, NM_001406770.1); c.2868T>G, p.Asn956Lys (NM_001406768.1); c.2736T>G, p.Asn912Lys (NM_001406769.1, NM_001406772.1); c.2694T>G, p.Asn898Lys (NM_001406771.1, NM_001406773.1); and 13 more; short protein forms N802K, N1044K, N561K, N609K, N649K, N869K, N898K, N745K.
Identifiers: ClinVar variation 2891224 (VCV002891224.4), dbSNP rs2133035928, ClinGen allele CA376558459.
Genomic context (GRCh38, chr10:43,126,667, plus strand): 5'-TGACTCCCTGATTTATGACGACGGCCTCTCAGAGGAGGAGACACCGCTGGTGGACTGTAA[T>G]AATGCCCCCCTCCCTCGAGCCCTCCCTTCCACATGGATTGAAAACAAACTCTATGGTAGA-3'
Protein context (NP_066124.1, residues 1034-1054): SEEETPLVDC[Asn1044Lys]NAPLPRALPS